The following is an entry in ClinVar:

NM_170682.4(P2RX2):c.775-8_775-6del

Gene: P2RX2 (purinergic receptor P2X 2; plus strand). Cytogenetic location: 12q24.33.
Variant type: Microsatellite.
Coding change: c.775-8_775-6del on transcript NM_170682.4 (MANE Select); 8 bases into the intron before coding-DNA position 775 through 6 bases into the intron before coding-DNA position 775, 3 bases deleted (CTT; older notation c.775-8_775-6delCTT).
Molecular consequence: intron variant.
Genome position (GRCh38, 1-based): chr12:132,620,993-132,620,995, CTT deleted; deleting any 3 consecutive bases within chr12:132,620,990-132,620,995 gives the same sequence; the c. name uses the placement nearest the transcript's 3' end. VCF-style (leftmost placement, unchanged base first): chr12-132620989-CCTT-C. GRCh37 (hg19) VCF-style: chr12-133197575-CCTT-C.
Other names: c.775-8_775-6delCTT (NM_174873.2); c.775-8_775-6del (NM_001282165.2, NM_170683.4, NM_174873.3); c.703-8_703-6del (NM_016318.4); c.673-8_673-6del (NM_001282164.2); c.559-8_559-6del (NM_012226.5); c.499-8_499-6del (NM_174872.3).
Identifiers: ClinVar variation 226989 (VCV000226989.13), dbSNP rs876657424, ClinGen allele CA6891664.
Genomic context (GRCh38, chr12:132,620,989, plus strand): 5'-GGGACTGACCCGGGCTCTCGAGGGGCCTCTCGTGTGCCCTCCTGACCCCCTTCTCTGGCT[CCTT>C]CTTGGCAGGGTGGTGTCATCGGGGTCATTATCAACTGGGACTGTGACCTGGACCTGCCTG-3'

ClinVar aggregate classification (germline): Benign. Review status: criteria provided, multiple submitters, no conflicts (2 of 4 stars). 4 submissions from 4 submitters: Benign (3). 1 of the submissions does not count toward it. Last evaluated 2026-02-01.

Conditions:
P2RX2-related disorder. Also called: P2RX2-related condition.

Submissions (4):

Labcorp Genetics (formerly Invitae), Labcorp
Classification: Benign. Last evaluated: 2026-02-01. Review status: criteria provided, single submitter. Criteria: Invitae Variant Classification Sherloc (09022015). Collection method: clinical testing. Allele origin: germline.

GeneDx
Classification: Benign. Last evaluated: 2018-07-20. Review status: criteria provided, single submitter. Criteria: GeneDx Variant Classification Process June 2021. Collection method: clinical testing. Allele origin: germline. Affected: yes.

Laboratory for Molecular Medicine, Mass General Brigham Personalized Medicine
Classification: Benign. Last evaluated: 2015-05-05. Review status: criteria provided, single submitter. Criteria: LMM Criteria. Collection method: clinical testing. Allele origin: germline. Observed: 16 variant alleles.
Comment: c.775-11CTT[1] in intron 7 of P2RX2: This variant is not expected to have clinic al significance because it has been identified in 5.9% (614/10396) of African ch romosomes by the Exome Aggregation Consortium (ExAC. org; dbSNP rs147087419).

PreventionGenetics, part of Exact Sciences
Classification: Benign for P2RX2-related condition. Last evaluated: 2019-06-13. Review status: no assertion criteria provided. Collection method: clinical testing. Allele origin: germline. Not counted in ClinVar's aggregate classification.
Comment: This variant is classified as benign based on ACMG/AMP sequence variant interpretation guidelines (Richards et al. 2015 PMID: 25741868, with internal and published modifications).